The following is an entry in ClinVar:

NM_020937.4(FANCM):c.241G>A (p.Ala81Thr)

Gene: FANCM (FA complementation group M; plus strand). Cytogenetic location: 14q21.2.
Variant type: single nucleotide variant.
Coding change: c.241G>A on transcript NM_020937.4 (MANE Select); coding-DNA position 241, G replaced by A.
Protein change: p.Ala81Thr; replaces alanine 81 with threonine.
Molecular consequence: missense variant.
Genome position (GRCh38, 1-based): chr14:45,136,272, G>A. VCF-style: chr14-45136272-G-A. GRCh37 (hg19) VCF-style: chr14-45605475-G-A.
Other names: c.241G>A, p.Ala81Thr (NM_001308133.2, NM_001308134.2); short protein forms A81T.
Identifiers: ClinVar variation 4826024 (VCV004826024.1).

ClinVar aggregate classification (germline): Uncertain significance (1 of 4 stars; one submission).

Conditions:
Inborn genetic diseases. Identifiers: MedGen C0950123, MeSH D030342.

Submission:

Ambry Genetics
Classification: Uncertain significance for Inborn genetic diseases. Last evaluated: 2026-03-12. Review status: criteria provided, single submitter. Criteria: Ambry Variant Classification Scheme 2023. Collection method: clinical testing. Allele origin: germline.
Comment: The p.A81T variant (also known as c.241G>A), located in coding exon 1 of the FANCM gene, results from a G to A substitution at nucleotide position 241. The alanine at codon 81 is replaced by threonine, an amino acid with similar properties. This amino acid position is conserved. In addition, this alteration is predicted to be tolerated by in silico analysis. Based on the available evidence, the clinical significance of this variant remains unclear.